The following is an entry in ClinVar:

NM_001244008.2(KIF1A):c.4660G>A (p.Val1554Ile)

Gene: KIF1A (kinesin family member 1A; minus strand). Cytogenetic location: 2q37.3.
Variant type: single nucleotide variant.
Coding change: c.4660G>A on transcript NM_001244008.2 (MANE Select); coding-DNA position 4660, G replaced by A.
Protein change: p.Val1554Ile; replaces valine 1554 with isoleucine.
Molecular consequence: missense variant.
Genome position (GRCh38, 1-based): chr2:240,722,461, C>T on the plus strand (G>A on the coding strand, the complement: KIF1A is on the minus strand). VCF-style: chr2-240722461-C-T. GRCh37 (hg19) VCF-style: chr2-241661878-C-T.
Other names: c.4384G>A, p.Val1462Ile (NM_001320705.2, NM_001379649.1); c.4411G>A, p.Val1471Ile (NM_001330289.2); c.4459G>A, p.Val1487Ile (NM_001330290.2, NM_001379648.1); c.4735G>A, p.Val1579Ile (NM_001379631.1); c.4636G>A, p.Val1546Ile (NM_001379632.1); c.4633G>A, p.Val1545Ile (NM_001379633.1, NM_001379645.1); c.4486G>A, p.Val1496Ile (NM_001379634.1); c.4483G>A, p.Val1495Ile (NM_001379635.1, NM_001379646.1); and 7 more; short protein forms V1453I, V1487I, V1462I, V1554I, V1471I, V1452I, V1461I, V1470I.
Identifiers: ClinVar variation 653537 (VCV000653537.40), dbSNP rs567408550, ClinGen allele CA2207369.

ClinVar aggregate classification (germline): Conflicting classifications of pathogenicity. Review status: criteria provided, conflicting classifications (1 of 4 stars). 4 submissions from 4 submitters: Uncertain significance (3); Likely benign (1). Last evaluated 2025-12-16.

Conditions:
Inborn genetic diseases. Identifiers: MedGen C0950123, MeSH D030342.
Neuropathy, hereditary sensory, type 2C. Also called: Hereditary sensory and autonomic neuropathy type IIC; KIF1A-Related HSAN2 (HSAN2C). Identifiers: Orphanet 970, MedGen C3280168, MONDO:0013634, OMIM 614213.
Intellectual disability, autosomal dominant 9 (NESCAVS). Also called: KIF1A-Related Neurodevelopmental Disorder; NESCAV SYNDROME. Identifiers: Orphanet 662367, MedGen C5393830, MONDO:0013656, OMIM 614255.
Hereditary spastic paraplegia 30. Identifiers: Orphanet 101010, MedGen C5235139, MONDO:0012476.

Allele frequency attached by ClinVar (database versions not stated): ExAC below 0.00001; gnomAD 0.00002 and 0.00003; gnomAD exomes 0.00002 and 0.00003; TOPMed 0.00002; 1000 Genomes Project 0.00020; 1000 Genomes Project 30x 0.00031.
gnomAD v4.1: 29 of 1,546,200 alleles (0.0019%); highest among the groups gnomAD compares: Middle Eastern, 0.022%; no homozygotes.

Submissions (4):

GeneDx
Classification: Uncertain significance. Last evaluated: 2025-12-16. Review status: criteria provided, single submitter. Criteria: GeneDx Variant Classification Process June 2021. Collection method: clinical testing. Allele origin: germline.
Comment: In silico analysis suggests that this missense variant does not alter protein structure/function; Has not been previously published as pathogenic or benign to our knowledge

Labcorp Genetics (formerly Invitae), Labcorp
Classification: Likely benign for Hereditary spastic paraplegia 30; Neuropathy, hereditary sensory, type 2C; Intellectual disability, autosomal dominant 9. Last evaluated: 2025-04-07. Review status: criteria provided, single submitter. Criteria: Invitae Variant Classification Sherloc (09022015). Collection method: clinical testing. Allele origin: germline.

CeGaT Center for Human Genetics Tuebingen
Classification: Uncertain significance. Last evaluated: 2022-07-01. Review status: criteria provided, single submitter. Criteria: CeGaT Center For Human Genetics Tuebingen Variant Classification Criteria Version 2. Collection method: clinical testing. Allele origin: germline. Affected: yes. Observed: 1 variant allele.
Comment: KIF1A: PP2, BP4

Ambry Genetics
Classification: Uncertain significance for Inborn genetic diseases. Last evaluated: 2019-09-27. Review status: criteria provided, single submitter. Criteria: Ambry Variant Classification Scheme 2023. Collection method: clinical testing. Allele origin: germline.
Comment: The p.V1554I variant (also known as c.4660G>A), located in coding exon 42 of the KIF1A gene, results from a G to A substitution at nucleotide position 4660. The valine at codon 1554 is replaced by isoleucine, an amino acid with highly similar properties. This amino acid position is not well conserved in available vertebrate species. In addition, this alteration is predicted to be tolerated by in silico analysis. Since supporting evidence is limited at this time, the clinical significance of this alteration remains unclear.